The following is an entry in ClinVar:

ClinVar aggregate classification (germline): Uncertain significance (1 of 4 stars; one submission).

Conditions:
Inborn genetic diseases. Identifiers: MedGen C0950123, MeSH D030342.

Submission:

Ambry Genetics
Classification: Uncertain significance for Inborn genetic diseases. Last evaluated: 2025-05-25. Review status: criteria provided, single submitter. Criteria: Ambry Variant Classification Scheme 2023. Collection method: clinical testing. Allele origin: germline.
Comment: The p.W234L variant (also known as c.701G>T), located in coding exon 6 of the G6PC3 gene, results from a G to T substitution at nucleotide position 701. The tryptophan at codon 234 is replaced by leucine, an amino acid with similar properties. This amino acid position is conserved. In addition, this alteration is predicted to be deleterious by in silico analysis. Based on the available evidence, the clinical significance of this variant remains unclear.

NM_138387.4(G6PC3):c.701G>T (p.Trp234Leu)

Gene: G6PC3 (glucose-6-phosphatase catalytic subunit 3; plus strand). Cytogenetic location: 17q21.31.
Variant type: single nucleotide variant.
Coding change: c.701G>T on transcript NM_138387.4 (MANE Select); coding-DNA position 701, G replaced by T.
Protein change: p.Trp234Leu; replaces tryptophan 234 with leucine.
Molecular consequence: missense variant. On other transcripts: synonymous variant (1).
Genome position (GRCh38, 1-based): chr17:44,075,703, G>T. VCF-style: chr17-44075703-G-T. GRCh37 (hg19) VCF-style: chr17-42153071-G-T.
Other names: c.582G>T, p.Val194= (NM_001319945.2); c.356G>T, p.Trp119Leu (NM_001384165.1, NM_001384166.1, NM_001384167.1 and 1 more transcripts); short protein forms W119L, W234L.
Identifiers: ClinVar variation 4027613 (VCV004027613.1).
Genomic context (GRCh38, chr17:44,075,703, plus strand): 5'-TCCAGCCTCTCCTGGCAAGAACTCTTCTTCCCCACAGGTCCATCAGCCTAGCCTTCAAGT[G>T]GTGTGAGCGGCCTGAGTGGATACACGTGGATAGCCGGCCCTTTGCCTCCCTGAGCCGTGA-3'
Protein context (NP_612396.1, residues 224-244): LSWSISLAFK[Trp234Leu]CERPEWIHVD